The following is an entry in ClinVar:

NM_015267.4(CUX2):c.2162G>T (p.Arg721Leu)

Gene: CUX2 (cut like homeobox 2; plus strand). Cytogenetic location: 12q24.12.
Variant type: single nucleotide variant.
Coding change: c.2162G>T on transcript NM_015267.4 (MANE Select); coding-DNA position 2162, G replaced by T.
Protein change: p.Arg721Leu; replaces arginine 721 with leucine.
Molecular consequence: missense variant.
Genome position (GRCh38, 1-based): chr12:111,320,171, G>T. VCF-style: chr12-111320171-G-T. GRCh37 (hg19) VCF-style: chr12-111757975-G-T.
Other names: c.1976G>T, p.Arg659Leu (NM_001370598.1); short protein forms R659L, R721L.
Identifiers: ClinVar variation 4875508 (VCV004875508.3).

ClinVar aggregate classification (germline): Conflicting classifications of pathogenicity. Review status: criteria provided, conflicting classifications (1 of 4 stars). 2 submissions from 2 submitters: Uncertain significance (1); Likely benign (1). Last evaluated 2026-04-01.

gnomAD v4.1: 3 of 1,536,528 alleles (0.0002%); highest among the groups gnomAD compares: Non-Finnish European, 0.00026%; no homozygotes.

Submissions (2):

CeGaT Center for Human Genetics Tuebingen
Classification: Likely benign. Last evaluated: 2026-04-01. Review status: criteria provided, single submitter. Criteria: CeGaT Center For Human Genetics Tuebingen Variant Classification Criteria Version 2. Collection method: clinical testing. Allele origin: germline. Affected: yes. Observed: 1 variant allele.
Comment: CUX2: BP4

Blueprint Genetics
Classification: Uncertain significance. Last evaluated: 2024-08-20. Review status: criteria provided, single submitter. Criteria: ACMG Guidelines, 2015. Collection method: clinical testing. Allele origin: germline.